The following is an entry in ClinVar:

ClinVar aggregate classification (germline): Likely benign (0 of 4 stars; one submission).

Conditions:
EPPK1-related disorder. Also called: EPPK1-related condition.

Allele frequency attached by ClinVar (database versions not stated): gnomAD exomes 0.00021; ExAC 0.00063; gnomAD 0.00151; ESP Exome Variant Server 0.00154; TOPMed 0.00165; 1000 Genomes Project 30x 0.00312; 1000 Genomes Project 0.00359.
gnomAD v4.1: 539 of 1,613,156 alleles (0.033%); highest among the groups gnomAD compares: African/African-American, 0.5%; 1 homozygote.

Submission:

PreventionGenetics, part of Exact Sciences
Classification: Likely benign for EPPK1-related condition. Last evaluated: 2022-02-10. Review status: no assertion criteria provided. Collection method: clinical testing. Allele origin: germline.
Comment: This variant is classified as likely benign based on ACMG/AMP sequence variant interpretation guidelines (Richards et al. 2015 PMID: 25741868, with internal and published modifications).

NM_031308.4(EPPK1):c.4945G>A (p.Val1649Ile)

Gene: EPPK1 (epiplakin 1; minus strand). Cytogenetic location: 8q24.3.
Variant type: single nucleotide variant.
Coding change: c.4945G>A on transcript NM_031308.4 (MANE Select); coding-DNA position 4945, G replaced by A.
Protein change: p.Val1649Ile; replaces valine 1649 with isoleucine.
Molecular consequence: missense variant.
Genome position (GRCh38, 1-based): chr8:143,868,309, C>T on the plus strand (G>A on the coding strand, the complement: EPPK1 is on the minus strand). VCF-style: chr8-143868309-C-T. GRCh37 (hg19) VCF-style: chr8-144942477-C-T.
Other names: short protein forms V1649I.
Identifiers: ClinVar variation 3034511 (VCV003034511.2), dbSNP rs138137510, ClinGen allele CA4922321.